The following is an entry in ClinVar:

ClinVar aggregate classification (germline): Uncertain significance (1 of 4 stars; one submission).

gnomAD v4.1: 2 of 1,613,674 alleles (0.00012%); highest among the groups gnomAD compares: Non-Finnish European, 0.00017%; no homozygotes.

Submission:

Labcorp Genetics (formerly Invitae), Labcorp
Classification: Uncertain significance. Last evaluated: 2023-12-21. Review status: criteria provided, single submitter. Criteria: Invitae Variant Classification Sherloc (09022015). Collection method: clinical testing. Allele origin: germline.
Comment: This sequence change replaces methionine, which is neutral and non-polar, with valine, which is neutral and non-polar, at codon 223 of the FOXP1 protein (p.Met223Val). This variant is not present in population databases (gnomAD no frequency). This variant has not been reported in the literature in individuals affected with FOXP1-related conditions. An algorithm developed to predict the effect of missense changes on protein structure and function (PolyPhen-2) suggests that this variant is likely to be tolerated. In summary, the available evidence is currently insufficient to determine the role of this variant in disease. Therefore, it has been classified as a Variant of Uncertain Significance.

NM_001349338.3(FOXP1):c.667A>G (p.Met223Val)

Gene: FOXP1 (forkhead box P1; minus strand). Cytogenetic location: 3p13.
Variant type: single nucleotide variant.
Coding change: c.667A>G on transcript NM_001349338.3 (MANE Select); coding-DNA position 667, A replaced by G.
Protein change: p.Met223Val; replaces methionine 223 with valine.
Molecular consequence: missense variant. On other transcripts: non-coding transcript variant (2).
Genome position (GRCh38, 1-based): chr3:71,041,530, T>C on the plus strand (A>G on the coding strand, the complement: FOXP1 is on the minus strand). VCF-style: chr3-71041530-T-C. GRCh37 (hg19) VCF-style: chr3-71090681-T-C.
Other names: c.667A>G, p.Met223Val (NM_001244808.3, NM_001244810.2, NM_001244814.3 and 4 more transcripts); c.439A>G, p.Met147Val (NM_001244812.3); c.367A>G, p.Met123Val (NM_001244813.3, NM_001244815.2, NM_001349342.3 and 1 more transcripts); c.364A>G, p.Met122Val (NM_001349337.2, NM_001349343.3, NM_001349344.3); c.664A>G, p.Met222Val (NM_001349341.3); short protein forms M122V, M222V, M147V, M223V, M123V.
Identifiers: ClinVar variation 2704727 (VCV002704727.3), dbSNP rs780021605, ClinGen allele CA353562985.